The following is an entry in ClinVar:

ClinVar aggregate classification (germline): Uncertain significance. Review status: criteria provided, multiple submitters, no conflicts (2 of 4 stars). 2 submissions from 2 submitters: Uncertain significance (2). Last evaluated 2024-11-11.

Conditions:
Hereditary nonpolyposis colorectal neoplasms. Identifiers: MedGen C0009405, MeSH D003123.

Submissions (2):

Labcorp Genetics (formerly Invitae), Labcorp
Classification: Uncertain significance for Hereditary nonpolyposis colorectal neoplasms. Last evaluated: 2024-11-11. Review status: criteria provided, single submitter. Criteria: Invitae Variant Classification Sherloc (09022015). Collection method: clinical testing. Allele origin: germline.
Comment: This sequence change replaces glutamic acid, which is acidic and polar, with aspartic acid, which is acidic and polar, at codon 493 of the MSH6 protein (p.Glu493Asp). This variant is not present in population databases (gnomAD no frequency). This variant has not been reported in the literature in individuals affected with MSH6-related conditions. ClinVar contains an entry for this variant (Variation ID: 1316107). Invitae Evidence Modeling of protein sequence and biophysical properties (such as structural, functional, and spatial information, amino acid conservation, physicochemical variation, residue mobility, and thermodynamic stability) indicates that this missense variant is not expected to disrupt MSH6 protein function with a negative predictive value of 95%. In summary, the available evidence is currently insufficient to determine the role of this variant in disease. Therefore, it has been classified as a Variant of Uncertain Significance.

GeneDx
Classification: Uncertain significance. Last evaluated: 2019-05-14. Review status: criteria provided, single submitter. Criteria: GeneDx Variant Classification Process June 2021. Collection method: clinical testing. Allele origin: germline. Affected: yes.
Comment: Not observed in large population cohorts (Lek et al., 2016); In silico analysis, which includes protein predictors and evolutionary conservation, supports that this variant does not alter protein structure/function; Has not been previously published as pathogenic or benign to our knowledge

NM_000179.3(MSH6):c.1479G>T (p.Glu493Asp)

Gene: MSH6 (mutS homolog 6; plus strand). Cytogenetic location: 2p16.3.
Variant type: single nucleotide variant.
Coding change: c.1479G>T on transcript NM_000179.3 (MANE Select); coding-DNA position 1479, G replaced by T.
Protein change: p.Glu493Asp; replaces glutamic acid 493 with aspartic acid.
Molecular consequence: missense variant.
Genome position (GRCh38, 1-based): chr2:47,799,462, G>T. VCF-style: chr2-47799462-G-T. GRCh37 (hg19) VCF-style: chr2-48026601-G-T.
Other names: c.1089G>T, p.Glu363Asp (NM_001281492.2); c.573G>T, p.Glu191Asp (NM_001281493.2, NM_001281494.2); short protein forms E191D, E363D, E493D.
Identifiers: ClinVar variation 1316107 (VCV001316107.4), dbSNP rs753042580, ClinGen allele CA346746024.